The following is an entry in ClinVar:

ClinVar aggregate classification (germline): Uncertain significance. Review status: criteria provided, multiple submitters, no conflicts (2 of 4 stars). 3 submissions from 3 submitters: Uncertain significance (3). Last evaluated 2026-03-17.

Conditions:
CEP164-related disorder. Also called: CEP164-related condition.
Inborn genetic diseases. Identifiers: MedGen C0950123, MeSH D030342.
Nephronophthisis 15 (NPHP15). Identifiers: Orphanet 3156, MedGen C3541853, MONDO:0013917, OMIM 614845.

Allele frequency attached by ClinVar (database versions not stated): gnomAD exomes 0.00003; ExAC 0.00007; TOPMed 0.00014.
gnomAD v4.1: 20 of 1,610,520 alleles (0.0012%); highest among the groups gnomAD compares: Admixed American, 0.017%; no homozygotes.

Submissions (3):

PreventionGenetics, part of Exact Sciences
Classification: Uncertain significance for CEP164-related condition. Last evaluated: 2026-03-17. Review status: criteria provided, single submitter. Criteria: ACMG Guidelines, 2015. Collection method: clinical testing. Allele origin: germline.
Comment: The CEP164 c.2656G>A variant is predicted to result in the amino acid substitution p.Gly886Arg. To our knowledge, this variant has not been reported in the literature. This variant is reported in 0.014% of alleles in individuals of Latino descent in gnomAD. At this time, the clinical significance of this variant is uncertain due to the absence of conclusive functional and genetic evidence.

Labcorp Genetics (formerly Invitae), Labcorp
Classification: Uncertain significance for Nephronophthisis 15. Last evaluated: 2025-05-27. Review status: criteria provided, single submitter. Criteria: Invitae Variant Classification Sherloc (09022015). Collection method: clinical testing. Allele origin: germline.
Comment: This sequence change replaces glycine, which is neutral and non-polar, with arginine, which is basic and polar, at codon 886 of the CEP164 protein (p.Gly886Arg). This variant is present in population databases (rs377597884, gnomAD 0.01%). This variant has not been reported in the literature in individuals affected with CEP164-related conditions. ClinVar contains an entry for this variant (Variation ID: 945643). Invitae Evidence Modeling of protein sequence and biophysical properties (such as structural, functional, and spatial information, amino acid conservation, physicochemical variation, residue mobility, and thermodynamic stability) indicates that this missense variant is not expected to disrupt CEP164 protein function with a negative predictive value of 80%. In summary, the available evidence is currently insufficient to determine the role of this variant in disease. Therefore, it has been classified as a Variant of Uncertain Significance.

Ambry Genetics
Classification: Uncertain significance for Inborn genetic diseases. Last evaluated: 2024-11-09. Review status: criteria provided, single submitter. Criteria: Ambry Variant Classification Scheme 2023. Collection method: clinical testing. Allele origin: germline.

NM_014956.5(CEP164):c.2656G>A (p.Gly886Arg)

Gene: CEP164 (centrosomal protein 164; plus strand). Cytogenetic location: 11q23.3.
Variant type: single nucleotide variant.
Coding change: c.2656G>A on transcript NM_014956.5 (MANE Select); coding-DNA position 2656, G replaced by A.
Protein change: p.Gly886Arg; replaces glycine 886 with arginine.
Molecular consequence: missense variant.
Genome position (GRCh38, 1-based): chr11:117,394,389, G>A. VCF-style: chr11-117394389-G-A. GRCh37 (hg19) VCF-style: chr11-117265105-G-A.
Other names: c.2665G>A, p.Gly889Arg (NM_001271933.2); short protein forms G886R, G889R.
Identifiers: ClinVar variation 945643 (VCV000945643.8), dbSNP rs377597884, ClinGen allele CA6295176.